The following is an entry in ClinVar:

ClinVar aggregate classification (germline): Pathogenic/Likely pathogenic. Review status: criteria provided, multiple submitters, no conflicts (2 of 4 stars). 4 submissions from 4 submitters: Pathogenic (2); Likely pathogenic (1). 1 of the submissions does not count toward it. Last evaluated 2025-02-26.

Conditions:
Stickler syndrome, type 6. Also called: Stickler syndrome, type VI; Stickler syndrome, IIa 6. Identifiers: MedGen C5774207, MONDO:0031047, OMIM 620022.
COL9A3-related disorders.

Submissions (4):

Labcorp Genetics (formerly Invitae), Labcorp
Classification: Pathogenic. Last evaluated: 2025-02-26. Review status: criteria provided, single submitter. Criteria: Invitae Variant Classification Sherloc (09022015). Collection method: clinical testing. Allele origin: germline.
Comment: This sequence change creates a premature translational stop signal (p.Pro36Argfs*49) in the COL9A3 gene. It is expected to result in an absent or disrupted protein product. Loss-of-function variants in COL9A3 are known to be pathogenic (PMID: 24273071, 31090205). This variant is present in population databases (no rsID available, gnomAD 0.004%). This premature translational stop signal has been observed in individual(s) with autosomal recessive Stickler syndrome (PMID: 35241111). ClinVar contains an entry for this variant (Variation ID: 1462627). For these reasons, this variant has been classified as Pathogenic.

Blueprint Genetics
Classification: Likely pathogenic for COL9A3-related disorders. Last evaluated: 2024-05-03. Review status: criteria provided, single submitter. Criteria: ACMG Guidelines, 2015. Collection method: clinical testing. Allele origin: germline. Affected: yes. Observed: 3 variant alleles.

Juno Genomics, Hangzhou Juno Genomics, Inc
Classification: Pathogenic for Stickler syndrome, type 6. Review status: criteria provided, single submitter. Criteria: ACMG Guidelines, 2015. Collection method: clinical testing. Allele origin: germline.
Comment: Absent from controls (or at extremely low frequency if recessive) in Genome Aggregation Database.;Null variant in a gene where loss of function (LOF) is a known mechanism of disease.;For recessive disorders, detected in trans with a pathogenic variant.;Patient's phenotype or family history is highly specific for a disease with a single genetic etiology.

OMIM
Classification: Pathogenic for STICKLER SYNDROME, TYPE VI. Last evaluated: 2022-08-29. Review status: no assertion criteria provided. Collection method: literature only. Allele origin: germline. Not counted in ClinVar's aggregate classification.

Literature cited by the submitters: PubMed 24273071 (cited by Labcorp Genetics (formerly Invitae), Labcorp); PubMed 31090205 (cited by Labcorp Genetics (formerly Invitae), Labcorp); PubMed 35241111 (cited by Labcorp Genetics (formerly Invitae), Labcorp and OMIM).

NM_001853.4(COL9A3):c.107_116del (p.Pro36fs)

Gene: COL9A3 (collagen type IX alpha 3 chain; plus strand). Cytogenetic location: 20q13.33.
Variant type: Deletion.
Coding change: c.107_116del on transcript NM_001853.4 (MANE Select); coding-DNA positions 107 to 116, 10 bases deleted (CCCCAGGGCC; older notation c.107_116delCCCCAGGGCC).
Protein change: p.Pro36fs; shifts the reading frame from proline 36.
Molecular consequence: frameshift variant.
Genome position (GRCh38, 1-based): chr20:62,817,595-62,817,604, CCCCAGGGCC deleted; deleting any 10 consecutive bases within chr20:62,817,591-62,817,604 gives the same sequence; the c. name uses the placement nearest the transcript's 3' end. VCF-style (leftmost placement, unchanged base first): chr20-62817590-CGGCCCCCCAG-C. GRCh37 (hg19) VCF-style: chr20-61448942-CGGCCCCCCAG-C.
Other names: short protein forms P36fs.
Identifiers: ClinVar variation 1462627 (VCV001462627.10), dbSNP rs1470627424, ClinGen allele CA636331545.
Genomic context (GRCh38, chr20:62,817,590, plus strand): 5'-GGCACCTGCGCTCCTTAATGAGTTTTCTCCGTTTCAGAGAGTGGGACTCCCCGGCCCCCC[CGGCCCCCCAG>C]GGCCGCCCGGGAAGCCCGGCCAGGACGGCATTGACGTGAGTTTGGGGGTGGGGAGGGCCC-3'